The following is an entry in ClinVar:

ClinVar aggregate classification (germline): Likely benign (1 of 4 stars; one submission).

Submission:

CeGaT Center for Human Genetics Tuebingen
Classification: Likely benign. Last evaluated: 2023-07-01. Review status: criteria provided, single submitter. Criteria: CeGaT Center For Human Genetics Tuebingen Variant Classification Criteria Version 2. Collection method: clinical testing. Allele origin: germline. Affected: yes. Observed: 1 variant allele.
Comment: NSF: BP4, BP7

NM_006178.4(NSF):c.1296G>A (p.Glu432=)

Genes: LRRC37A2 (leucine rich repeat containing 37 member A2), NSF (N-ethylmaleimide sensitive factor, vesicle fusing ATPase; plus strand). Cytogenetic location: 17q21.31.
Variant type: single nucleotide variant.
Coding change: c.1296G>A on transcript NM_006178.4 (MANE Select); coding-DNA position 1296, G replaced by A.
Protein change: p.Glu432=; no amino-acid change (glutamic acid 432 retained).
Molecular consequence: synonymous variant. On other transcripts: non-coding transcript variant (1).
Genome position (GRCh38, 1-based): chr17:46,694,584, G>A. VCF-style: chr17-46694584-G-A. GRCh37 (hg19) VCF-style: chr17-44771950-G-A.
Identifiers: ClinVar variation 2647866 (VCV002647866.24), dbSNP rs1248605409, ClinGen allele CA500383519.
Genomic context (GRCh38, chr17:46,694,584, plus strand): 5'-AAGAATGAGAGGGCATCAGTTACTCTCTGCTGATGTAGACATTAAAGAACTGGCCGTGGA[G>A]ACCAAGAATTTCAGTGGTGCTGAATTGGAGGGTCTGGTGCGAGCAGCCCAGTCCACTGCT-3'
Protein context (NP_006169.2, residues 422-442): ADVDIKELAV[Glu432=]TKNFSGAELE